The following is an entry in ClinVar:

ClinVar aggregate classification (germline): Uncertain significance. Review status: criteria provided, multiple submitters, no conflicts (2 of 4 stars). 4 submissions from 4 submitters: Uncertain significance (4). Last evaluated 2024-10-06.

Conditions:
Juvenile polyposis syndrome (JPS). Identifiers: Orphanet 2929, MedGen C0345893, MONDO:0017380, OMIM 174900.
Hereditary cancer-predisposing syndrome. Also called: Hereditary Cancer Syndrome; Neoplastic Syndromes, Hereditary; Tumor predisposition; Hereditary neoplastic syndrome. Identifiers: Orphanet 140162, MedGen C0027672, MeSH D009386, MONDO:0015356.

Allele frequency attached by ClinVar (database versions not stated): gnomAD exomes 0.00001.
gnomAD v4.1: 10 of 1,613,906 alleles (0.00062%); highest among the groups gnomAD compares: Non-Finnish European, 0.00085%; no homozygotes.

Submissions (4):

Labcorp Genetics (formerly Invitae), Labcorp
Classification: Uncertain significance for Juvenile polyposis syndrome. Last evaluated: 2024-10-06. Review status: criteria provided, single submitter. Criteria: Invitae Variant Classification Sherloc (09022015). Collection method: clinical testing. Allele origin: germline.
Comment: This sequence change replaces tyrosine, which is neutral and polar, with histidine, which is basic and polar, at codon 336 of the BMPR1A protein (p.Tyr336His). This variant is not present in population databases (gnomAD no frequency). This variant has not been reported in the literature in individuals affected with BMPR1A-related conditions. ClinVar contains an entry for this variant (Variation ID: 230916). Invitae Evidence Modeling of protein sequence and biophysical properties (such as structural, functional, and spatial information, amino acid conservation, physicochemical variation, residue mobility, and thermodynamic stability) has been performed for this missense variant. However, the output from this modeling did not meet the statistical confidence thresholds required to predict the impact of this variant on BMPR1A protein function. In summary, the available evidence is currently insufficient to determine the role of this variant in disease. Therefore, it has been classified as a Variant of Uncertain Significance.

All of Us Research Program, National Institutes of Health
Classification: Uncertain significance for Juvenile polyposis syndrome. Last evaluated: 2024-01-11. Review status: criteria provided, single submitter. Criteria: ACMG Guidelines, 2015. Collection method: clinical testing. Allele origin: germline. Inheritance: Autosomal dominant inheritance. Observed: 2 variant alleles, 2 heterozygotes.
Comment: This missense variant replaces tyrosine with histidine at codon 336 of the BMPR1A protein. Computational prediction suggests that this variant may have deleterious impact on protein structure and function (internally defined REVEL score threshold >= 0.7, PMID: 27666373). To our knowledge, functional studies have not been reported for this variant. This variant has not been reported in individuals affected with BMPR1A-related disorders in the literature. This variant has not been identified in the general population by the Genome Aggregation Database (gnomAD). The available evidence is insufficient to determine the role of this variant in disease conclusively. Therefore, this variant is classified as a Variant of Uncertain Significance.

This study involves interpretation of variants in research participants for the purpose of population health screening. Participant phenotype was not available at the time of variant classification. Additional details can be found in publication PMID: 35346344, PMCID: PMC8962531

Ambry Genetics
Classification: Uncertain significance for Hereditary cancer-predisposing syndrome. Last evaluated: 2023-11-15. Review status: criteria provided, single submitter. Criteria: Ambry Variant Classification Scheme 2023. Collection method: clinical testing. Allele origin: germline.
Comment: The p.Y336H variant (also known as c.1006T>C), located in coding exon 8 of the BMPR1A gene, results from a T to C substitution at nucleotide position 1006. The tyrosine at codon 336 is replaced by histidine, an amino acid with similar properties. This amino acid position is well conserved in available vertebrate species. In addition, this alteration is predicted to be deleterious by in silico analysis. Since supporting evidence is limited at this time, the clinical significance of this alteration remains unclear.

Color Diagnostics, LLC DBA Color Health
Classification: Uncertain significance for Hereditary cancer-predisposing syndrome. Last evaluated: 2023-10-18. Review status: criteria provided, single submitter. Criteria: ACMG Guidelines, 2015. Collection method: clinical testing. Allele origin: germline.
Comment: This missense variant replaces tyrosine with histidine at codon 336 of the BMPR1A protein. Computational prediction suggests that this variant may have deleterious impact on protein structure and function. To our knowledge, functional studies have not been reported for this variant. This variant has not been reported in individuals affected with BMPR1A-related disorders in the literature. This variant has not been identified in the general population by the Genome Aggregation Database (gnomAD). The available evidence is insufficient to determine the role of this variant in disease conclusively. Therefore, this variant is classified as a Variant of Uncertain Significance.

NM_004329.3(BMPR1A):c.1006T>C (p.Tyr336His)

Gene: BMPR1A (bone morphogenetic protein receptor type 1A; plus strand). Cytogenetic location: 10q23.2.
Variant type: single nucleotide variant.
Coding change: c.1006T>C on transcript NM_004329.3 (MANE Select); coding-DNA position 1006, T replaced by C.
Protein change: p.Tyr336His; replaces tyrosine 336 with histidine.
Molecular consequence: missense variant.
Genome position (GRCh38, 1-based): chr10:86,919,309, T>C. VCF-style: chr10-86919309-T-C. GRCh37 (hg19) VCF-style: chr10-88679066-T-C.
Other names: short protein forms Y336H.
Identifiers: ClinVar variation 230916 (VCV000230916.14), dbSNP rs876658840, ClinGen allele CA10578893.
Genomic context (GRCh38, chr10:86,919,309, plus strand): 5'-TCTCTCTATGACTTCCTGAAATGTGCTACACTGGACACCAGAGCCCTGCTTAAATTGGCT[T>C]ATTCAGCTGCCTGTGGTCTGTGCCACCTGCACACAGAAATTTATGGCACCCAAGGAAAGC-3'
Protein context (NP_004320.2, residues 326-346): LDTRALLKLA[Tyr336His]SAACGLCHLH